The following is an entry in ClinVar:

ClinVar aggregate classification (germline): Conflicting classifications of pathogenicity. Review status: criteria provided, conflicting classifications (1 of 4 stars). 6 submissions from 6 submitters: Uncertain significance (2); Likely benign (2). 2 of the submissions do not count toward it. Last evaluated 2025-12-03.

Conditions:
TRAP1-related disorder. Also called: TRAP1-related condition.
HER2 positive breast carcinoma. Identifiers: MedGen C1960398, MONDO:0006244.

Allele frequency attached by ClinVar (database versions not stated): 1000 Genomes Project 30x 0.00078; 1000 Genomes Project 0.00080; ExAC 0.00144; gnomAD 0.00195; TOPMed 0.00195; ESP Exome Variant Server 0.00262.
gnomAD v4.1: 4,875 of 1,613,918 alleles (0.3%); highest among the groups gnomAD compares: Non-Finnish European, 0.38%; 22 homozygotes.

Submissions (6):

Labcorp Genetics (formerly Invitae), Labcorp
Classification: Likely benign. Last evaluated: 2025-12-03. Review status: criteria provided, single submitter. Criteria: Invitae Variant Classification Sherloc (09022015). Collection method: clinical testing. Allele origin: germline.

CeGaT Center for Human Genetics Tuebingen
Classification: Likely benign. Last evaluated: 2025-06-01. Review status: criteria provided, single submitter. Criteria: CeGaT Center For Human Genetics Tuebingen Variant Classification Criteria Version 2. Collection method: clinical testing. Allele origin: germline. Affected: yes. Observed: 1 variant allele.
Comment: TRAP1: BS2

GeneDx
Classification: Uncertain significance. Last evaluated: 2020-12-02. Review status: criteria provided, single submitter. Criteria: GeneDx Variant Classification Process June 2021. Collection method: clinical testing. Allele origin: germline. Affected: yes.
Comment: In silico analysis supports that this missense variant has a deleterious effect on protein structure/function; Has not been previously published as pathogenic or benign to our knowledge

Genetics and Molecular Pathology, SA Pathology
Classification: Uncertain significance for HER2 positive breast carcinoma. Last evaluated: 2020-01-03. Review status: criteria provided, single submitter. Criteria: ACMG Guidelines, 2015. Collection method: clinical testing. Allele origin: germline. Affected: yes.

PreventionGenetics, part of Exact Sciences
Classification: Likely benign for TRAP1-related condition. Last evaluated: 2022-10-21. Review status: no assertion criteria provided. Collection method: clinical testing. Allele origin: germline. Not counted in ClinVar's aggregate classification.
Comment: This variant is classified as likely benign based on ACMG/AMP sequence variant interpretation guidelines (Richards et al. 2015 PMID: 25741868, with internal and published modifications).

Mayo Clinic Laboratories, Mayo Clinic
Classification: Benign. Last evaluated: 2017-09-11. Review status: no assertion criteria provided. Collection method: clinical testing. Allele origin: unknown. Not counted in ClinVar's aggregate classification.

NM_016292.3(TRAP1):c.2053G>A (p.Asp685Asn)

Genes: DNASE1 (deoxyribonuclease 1; plus strand), TRAP1 (TNF receptor associated protein 1; minus strand). Cytogenetic location: 16p13.3.
Variant type: single nucleotide variant.
Coding change: c.2053G>A on transcript NM_016292.3 (MANE Select); coding-DNA position 2053, G replaced by A.
Protein change: p.Asp685Asn; replaces aspartic acid 685 with asparagine.
Molecular consequence: missense variant.
Genome position (GRCh38, 1-based): chr16:3,658,191, C>T on the plus strand (G>A on the coding strand, the complement: TRAP1 is on the minus strand). VCF-style: chr16-3658191-C-T. GRCh37 (hg19) VCF-style: chr16-3708192-C-T.
Other names: c.1894G>A, p.Asp632Asn (NM_001272049.2); short protein forms D685N, D632N.
Identifiers: ClinVar variation 418524 (VCV000418524.26), dbSNP rs61756352, ClinGen allele CA7867631.